The following is an entry in ClinVar:

NM_001134831.2(AHI1):c.388A>C (p.Ile130Leu)

Gene: AHI1 (Abelson helper integration site 1; minus strand). Cytogenetic location: 6q23.3.
Variant type: single nucleotide variant.
Coding change: c.388A>C on transcript NM_001134831.2 (MANE Select); coding-DNA position 388, A replaced by C.
Protein change: p.Ile130Leu; replaces isoleucine 130 with leucine.
Molecular consequence: missense variant.
Genome position (GRCh38, 1-based): chr6:135,466,175, T>G on the plus strand (A>C on the coding strand, the complement: AHI1 is on the minus strand). VCF-style: chr6-135466175-T-G. GRCh37 (hg19) VCF-style: chr6-135787313-T-G.
Other names: c.388A>C, p.Ile130Leu (NM_001134830.2, NM_001134832.2, NM_001350503.2 and 2 more transcripts); short protein forms I130L.
Identifiers: ClinVar variation 1490932 (VCV001490932.3), dbSNP rs376751417, ClinGen allele CA148149207.

ClinVar aggregate classification (germline): Uncertain significance (1 of 4 stars; one submission).

Conditions:
Joubert syndrome. Also called: CEREBELLOPARENCHYMAL DISORDER IV; JOUBERT-BOLTSHAUSER SYNDROME; Familial aplasia of the vermis. Identifiers: Orphanet 475, MedGen C5979921, MONDO:0018772.

Allele frequency attached by ClinVar (database versions not stated): ESP Exome Variant Server 0.00008.
gnomAD v4.1: 22 of 1,613,860 alleles (0.0014%); highest among the groups gnomAD compares: Non-Finnish European, 0.0019%; no homozygotes.

Submission:

Labcorp Genetics (formerly Invitae), Labcorp
Classification: Uncertain significance for Joubert syndrome. Last evaluated: 2022-08-23. Review status: criteria provided, single submitter. Criteria: Invitae Variant Classification Sherloc (09022015). Collection method: clinical testing. Allele origin: germline.
Comment: This sequence change replaces isoleucine, which is neutral and non-polar, with leucine, which is neutral and non-polar, at codon 130 of the AHI1 protein (p.Ile130Leu). This variant is present in population databases (rs376751417, gnomAD 0.01%). This variant has not been reported in the literature in individuals affected with AHI1-related conditions. ClinVar contains an entry for this variant (Variation ID: 1490932). Advanced modeling of protein sequence and biophysical properties (such as structural, functional, and spatial information, amino acid conservation, physicochemical variation, residue mobility, and thermodynamic stability) performed at Invitae indicates that this missense variant is not expected to disrupt AHI1 protein function. In summary, the available evidence is currently insufficient to determine the role of this variant in disease. Therefore, it has been classified as a Variant of Uncertain Significance.